The following is an entry in ClinVar:

ClinVar aggregate classification (germline): Pathogenic (1 of 4 stars; one submission).

Submission:

Labcorp Genetics (formerly Invitae), Labcorp
Classification: Pathogenic. Last evaluated: 2026-01-19. Review status: criteria provided, single submitter. Criteria: Invitae Variant Classification Sherloc (09022015). Collection method: clinical testing. Allele origin: germline.
Comment: This sequence change replaces tyrosine, which is neutral and polar, with histidine, which is basic and polar, at codon 235 of the TYR protein (p.Tyr235His). This variant is not present in population databases (gnomAD no frequency). This missense change has been observed in individuals with oculocutaneous albinism (PMID: 19865097, 31077556, 32552135). Invitae Evidence Modeling of protein sequence and biophysical properties (such as structural, functional, and spatial information, amino acid conservation, physicochemical variation, residue mobility, and thermodynamic stability) indicates that this missense variant is expected to disrupt TYR protein function with a positive predictive value of 95%. This variant disrupts the p.Tyr235 amino acid residue in TYR. Other variant(s) that disrupt this residue have been determined to be pathogenic (internal data). This suggests that this residue is clinically significant, and that variants that disrupt this residue are likely to be disease-causing. For these reasons, this variant has been classified as Pathogenic.

Literature cited by the submitters: PubMed 19865097; PubMed 31077556; PubMed 32552135.

NM_000372.5(TYR):c.703T>C (p.Tyr235His)

Gene: TYR (tyrosinase; plus strand). Cytogenetic location: 11q14.3.
Variant type: single nucleotide variant.
Coding change: c.703T>C on transcript NM_000372.5 (MANE Select); coding-DNA position 703, T replaced by C.
Protein change: p.Tyr235His; replaces tyrosine 235 with histidine.
Molecular consequence: missense variant.
Genome position (GRCh38, 1-based): chr11:89,178,656, T>C. VCF-style: chr11-89178656-T-C. GRCh37 (hg19) VCF-style: chr11-88911824-T-C.
Other names: short protein forms Y235H.
Identifiers: ClinVar variation 4709873 (VCV004709873.1).
Genomic context (GRCh38, chr11:89,178,656, plus strand): 5'-TTGTTGCGGTGGGAACAAGAAATCCAGAAGCTGACAGGAGATGAAAACTTCACTATTCCA[T>C]ATTGGGACTGGCGGGATGCAGAAAAGTGTGACATTTGCACAGATGAGTACATGGGAGGTC-3'
Protein context (NP_000363.1, residues 225-245): LTGDENFTIP[Tyr235His]WDWRDAEKCD